The following is an entry in ClinVar:

ClinVar aggregate classification (germline): Uncertain significance. Review status: criteria provided, multiple submitters, no conflicts (2 of 4 stars). 2 submissions from 2 submitters: Uncertain significance (2). Last evaluated 2024-02-28.

Conditions:
Inborn genetic diseases. Identifiers: MedGen C0950123, MeSH D030342.

Allele frequency attached by ClinVar (database versions not stated): ExAC 0.00001; gnomAD 0.00001; TOPMed 0.00001; gnomAD exomes 0.00002.
gnomAD v4.1: 14 of 1,612,844 alleles (0.00087%); highest among the groups gnomAD compares: East Asian, 0.0067%; no homozygotes.

Submissions (2):

Ambry Genetics
Classification: Uncertain significance for Inborn genetic diseases. Last evaluated: 2024-02-28. Review status: criteria provided, single submitter. Criteria: Ambry Variant Classification Scheme 2023. Collection method: clinical testing. Allele origin: germline.

Labcorp Genetics (formerly Invitae), Labcorp
Classification: Uncertain significance. Last evaluated: 2022-09-07. Review status: criteria provided, single submitter. Criteria: Invitae Variant Classification Sherloc (09022015). Collection method: clinical testing. Allele origin: germline.
Comment: In summary, the available evidence is currently insufficient to determine the role of this variant in disease. Therefore, it has been classified as a Variant of Uncertain Significance. Algorithms developed to predict the effect of missense changes on protein structure and function output the following: SIFT: "Not Available"; PolyPhen-2: "Benign"; Align-GVGD: "Not Available". The histidine amino acid residue is found in multiple mammalian species, which suggests that this missense change does not adversely affect protein function. ClinVar contains an entry for this variant (Variation ID: 1406378). This variant has not been reported in the literature in individuals affected with POLR1A-related conditions. This variant is present in population databases (rs753674623, gnomAD 0.01%). This sequence change replaces arginine, which is basic and polar, with histidine, which is basic and polar, at codon 1500 of the POLR1A protein (p.Arg1500His).

NM_015425.6(POLR1A):c.4499G>A (p.Arg1500His)

Gene: POLR1A (RNA polymerase I subunit A; minus strand). Cytogenetic location: 2p11.2.
Variant type: single nucleotide variant.
Coding change: c.4499G>A on transcript NM_015425.6 (MANE Select); coding-DNA position 4499, G replaced by A.
Protein change: p.Arg1500His; replaces arginine 1500 with histidine.
Molecular consequence: missense variant.
Genome position (GRCh38, 1-based): chr2:86,031,409, C>T on the plus strand (G>A on the coding strand, the complement: POLR1A is on the minus strand). VCF-style: chr2-86031409-C-T. GRCh37 (hg19) VCF-style: chr2-86258532-C-T.
Other names: c.4499G>A (NM_015425.3); short protein forms R1500H.
Identifiers: ClinVar variation 1406378 (VCV001406378.7), dbSNP rs753674623, ClinGen allele CA1745477.